The following is an entry in ClinVar:

NM_130837.3(OPA1):c.2365T>G (p.Ser789Ala)

Gene: OPA1 (OPA1 mitochondrial dynamin like GTPase; plus strand). Cytogenetic location: 3q29.
Variant type: single nucleotide variant.
Coding change: c.2365T>G on transcript NM_130837.3 (MANE Select); coding-DNA position 2365, T replaced by G.
Protein change: p.Ser789Ala; replaces serine 789 with alanine.
Molecular consequence: missense variant.
Genome position (GRCh38, 1-based): chr3:193,658,920, T>G. VCF-style: chr3-193658920-T-G. GRCh37 (hg19) VCF-style: chr3-193376709-T-G.
Other names: c.1831T>G, p.Ser611Ala (NM_001354663.2); c.1828T>G, p.Ser610Ala (NM_001354664.2); c.2200T>G, p.Ser734Ala (NM_015560.3); c.2092T>G, p.Ser698Ala (NM_130831.3); c.2146T>G, p.Ser716Ala (NM_130832.3); c.2203T>G, p.Ser735Ala (NM_130833.3); c.2254T>G, p.Ser752Ala (NM_130834.3); c.2257T>G, p.Ser753Ala (NM_130835.3); and 1 more; short protein forms S611A, S734A, S735A, S716A, S771A, S698A, S789A, S610A.
Identifiers: ClinVar variation 2841858 (VCV002841858.3), dbSNP rs2475078500, ClinGen allele CA355791803.

ClinVar aggregate classification (germline): Uncertain significance (1 of 4 stars; one submission).

Allele frequency attached by ClinVar (database versions not stated): gnomAD exomes below 0.00001.
gnomAD v4.1: 2 of 1,613,904 alleles (0.00012%); highest among the groups gnomAD compares: South Asian, 0.0022%; no homozygotes.

Submission:

Labcorp Genetics (formerly Invitae), Labcorp
Classification: Uncertain significance. Last evaluated: 2023-03-01. Review status: criteria provided, single submitter. Criteria: Invitae Variant Classification Sherloc (09022015). Collection method: clinical testing. Allele origin: germline.
Comment: This sequence change replaces serine, which is neutral and polar, with alanine, which is neutral and non-polar, at codon 734 of the OPA1 protein (p.Ser734Ala). This variant is not present in population databases (gnomAD no frequency). This variant has not been reported in the literature in individuals affected with OPA1-related conditions. Advanced modeling of protein sequence and biophysical properties (such as structural, functional, and spatial information, amino acid conservation, physicochemical variation, residue mobility, and thermodynamic stability) performed at Invitae indicates that this missense variant is not expected to disrupt OPA1 protein function. In summary, the available evidence is currently insufficient to determine the role of this variant in disease. Therefore, it has been classified as a Variant of Uncertain Significance.